The following is an entry in ClinVar:

NM_014363.6(SACS):c.1382C>G (p.Pro461Arg)

Gene: SACS (sacsin molecular chaperone; minus strand). Cytogenetic location: 13q12.12.
Variant type: single nucleotide variant.
Coding change: c.1382C>G on transcript NM_014363.6 (MANE Select); coding-DNA position 1382, C replaced by G.
Protein change: p.Pro461Arg; replaces proline 461 with arginine.
Molecular consequence: missense variant.
Genome position (GRCh38, 1-based): chr13:23,355,230, G>C on the plus strand (C>G on the coding strand, the complement: SACS is on the minus strand). VCF-style: chr13-23355230-G-C. GRCh37 (hg19) VCF-style: chr13-23929369-G-C.
Other names: c.941C>G, p.Pro314Arg (NM_001278055.2); short protein forms P314R, P461R.
Identifiers: ClinVar variation 3897031 (VCV003897031.1).

ClinVar aggregate classification (germline): Uncertain significance (1 of 4 stars; one submission).

Conditions:
Charlevoix-Saguenay spastic ataxia (SACS). Also called: AUTOSOMAL RECESSIVE SPASTIC ATAXIA OF CHARLEVOIX-SAGUENAY; Spastic ataxia of Charlevoix-Saguenay; SPASTIC ATAXIA 6, AUTOSOMAL RECESSIVE. Identifiers: Orphanet 98, MedGen C1849140, MONDO:0010041, OMIM 270550.

Submission:

Kariminejad - Najmabadi Pathology & Genetics Center
Classification: Uncertain significance for Charlevoix-Saguenay spastic ataxia. Last evaluated: 2022-02-08. Review status: criteria provided, single submitter. Criteria: ACMG Guidelines, 2015. Collection method: clinical testing. Allele origin: germline. Inheritance: Autosomal recessive inheritance. Affected: yes. Observed: 2 variant alleles.
Comment: PM2,PP3